The following is an entry in ClinVar:

NM_080425.4(GNAS):c.338G>C (p.Gly113Ala)

Gene: GNAS (GNAS complex locus; plus strand). Cytogenetic location: 20q13.32.
Variant type: single nucleotide variant.
Coding change: c.338G>C on transcript NM_080425.4 (MANE Plus Clinical); coding-DNA position 338, G replaced by C.
Protein change: p.Gly113Ala; replaces glycine 113 with alanine.
Molecular consequence: missense variant. On other transcripts: intron variant (3).
Genome position (GRCh38, 1-based): chr20:58,853,603, G>C. VCF-style: chr20-58853603-G-C. GRCh37 (hg19) VCF-style: chr20-57428658-G-C.
Other names: c.151G>C, p.Ala51Pro (NM_001077490.3, NM_001309883.1); c.338G>C, p.Gly113Ala (NM_001410913.1); c.*42+12717G>C (NM_016592.5); c.43+12717G>C (NM_001410912.1); c.-39+11728G>C (NM_001309861.2); short protein forms A51P, G113A.
Identifiers: ClinVar variation 2662170 (VCV002662170.1), dbSNP rs1385439564, ClinGen allele CA409455130.

ClinVar aggregate classification (germline): Uncertain significance (1 of 4 stars; one submission).

gnomAD v4.1: 2 of 1,613,322 alleles (0.00012%); highest among the groups gnomAD compares: Non-Finnish European, 0.00017%; no homozygotes.

Submission:

GeneDx
Classification: Uncertain significance. Last evaluated: 2023-04-17. Review status: criteria provided, single submitter. Criteria: GeneDx Variant Classification Process June 2021. Collection method: clinical testing. Allele origin: germline. Affected: yes.
Comment: Not observed at significant frequency in large population cohorts (gnomAD); In silico analysis supports that this missense variant does not alter protein structure/function; Has not been previously published as pathogenic or benign to our knowledge; Reported using an alternate transcript of the gene